The following is an entry in ClinVar:

ClinVar aggregate classification (germline): Uncertain significance. Review status: criteria provided, multiple submitters, no conflicts (2 of 4 stars). 3 submissions from 3 submitters: Uncertain significance (3). Last evaluated 2025-08-19.

Conditions:
Inborn genetic diseases. Identifiers: MedGen C0950123, MeSH D030342.

Allele frequency attached by ClinVar (database versions not stated): ExAC 0.00001; gnomAD exomes 0.00001; gnomAD 0.00002 and 0.00003; 1000 Genomes Project 0.00040; 1000 Genomes Project 30x 0.00047.

Submissions (3):

Ambry Genetics
Classification: Uncertain significance for Inborn genetic diseases. Last evaluated: 2025-08-19. Review status: criteria provided, single submitter. Criteria: Ambry Variant Classification Scheme 2023. Collection method: clinical testing. Allele origin: germline.

Labcorp Genetics (formerly Invitae), Labcorp
Classification: Uncertain significance. Last evaluated: 2024-11-06. Review status: criteria provided, single submitter. Criteria: Invitae Variant Classification Sherloc (09022015). Collection method: clinical testing. Allele origin: germline.
Comment: This sequence change replaces serine, which is neutral and polar, with phenylalanine, which is neutral and non-polar, at codon 120 of the NBAS protein (p.Ser120Phe). This variant is present in population databases (rs199796689, gnomAD 0.006%). This variant has not been reported in the literature in individuals affected with NBAS-related conditions. ClinVar contains an entry for this variant (Variation ID: 1426959). Invitae Evidence Modeling of protein sequence and biophysical properties (such as structural, functional, and spatial information, amino acid conservation, physicochemical variation, residue mobility, and thermodynamic stability) indicates that this missense variant is not expected to disrupt NBAS protein function with a negative predictive value of 95%. In summary, the available evidence is currently insufficient to determine the role of this variant in disease. Therefore, it has been classified as a Variant of Uncertain Significance.

Revvity Omics, Revvity
Classification: Uncertain significance. Last evaluated: 2019-11-08. Review status: criteria provided, single submitter. Criteria: ACMG Guidelines, 2015. Collection method: clinical testing. Allele origin: germline.

NM_015909.4(NBAS):c.359C>T (p.Ser120Phe)

Gene: NBAS (NBAS subunit of NRZ tethering complex; minus strand). Cytogenetic location: 2p24.3.
Variant type: single nucleotide variant.
Coding change: c.359C>T on transcript NM_015909.4 (MANE Select); coding-DNA position 359, C replaced by T.
Protein change: p.Ser120Phe; replaces serine 120 with phenylalanine.
Molecular consequence: missense variant. On other transcripts: non-coding transcript variant (1).
Genome position (GRCh38, 1-based): chr2:15,551,513, G>A on the plus strand (C>T on the coding strand, the complement: NBAS is on the minus strand). VCF-style: chr2-15551513-G-A. GRCh37 (hg19) VCF-style: chr2-15691637-G-A.
Other names: c.359C>T (NM_015909.2, NM_015909.3); short protein forms S120F.
Identifiers: ClinVar variation 1426959 (VCV001426959.7), dbSNP rs199796689, ClinGen allele CA1537089.